The following is an entry in ClinVar:

NM_014236.4(GNPAT):c.924+3A>G

Gene: GNPAT (glyceronephosphate O-acyltransferase; plus strand). Cytogenetic location: 1q42.2.
Variant type: single nucleotide variant.
Coding change: c.924+3A>G on transcript NM_014236.4 (MANE Select); 3 bases into the intron after coding-DNA position 924, A replaced by G.
Molecular consequence: intron variant.
Genome position (GRCh38, 1-based): chr1:231,266,168, A>G. VCF-style: chr1-231266168-A-G. GRCh37 (hg19) VCF-style: chr1-231401914-A-G.
Other names: c.741+3A>G (NM_001316350.2).
Identifiers: ClinVar variation 1308287 (VCV001308287.2), dbSNP rs756621919, ClinGen allele CA1451907.

ClinVar aggregate classification (germline): Uncertain significance (1 of 4 stars; one submission).

Allele frequency attached by ClinVar (database versions not stated): TOPMed below 0.00001; gnomAD 0.00001; gnomAD exomes 0.00001 and 0.00003; ExAC 0.00003.
gnomAD v4.1: 12 of 1,613,360 alleles (0.00074%); highest among the groups gnomAD compares: Middle Eastern, 0.016%; no homozygotes.

Submission:

GeneDx
Classification: Uncertain significance. Last evaluated: 2019-04-02. Review status: criteria provided, single submitter. Criteria: GeneDx Variant Classification Process June 2021. Collection method: clinical testing. Allele origin: germline. Affected: yes.
Comment: Has not been previously published as pathogenic or benign to our knowledge; In-silico analysis, which includes splice predictors and evolutionary conservation, is inconclusive as to whether the variant alters gene splicing. In the absence of RNA/functional studies, the actual effect of this sequence change is unknown.